The following is an entry in ClinVar:

NM_004409.5(DMPK):c.*224CTG[421]

Genes: DM1-AS (DM1 locus antisense RNA; plus strand), DMPK (DM1 protein kinase; minus strand), LOC107075317 (origin of replication in DMPK trinucleotide repeat region; plus strand), LOC109461477 (dystrophia myotonica protein kinase repeat instability region; plus strand). Cytogenetic location: 19q13.32.
Variant type: Microsatellite.
Coding change: c.*224CTG[421] on transcript NM_004409.5 (MANE Select); 421 copies in a row of the 3-base unit CTG starting at c.*224.
Molecular consequence: 3 prime UTR variant.
Genome position: GRCh38, VCF-style position (the base before the change): chr19:45,770,204. GRCh37 (hg19), VCF-style position (the base before the change): chr19:46,273,462.
Other names: DM1 CTG repeat expansion; c.*224CTG[421] (NM_001424169.1, NM_001081560.3, NM_001288764.2 and 1 more transcripts); c.*217CTG[421] (NM_001081562.3, NM_001288765.2, NM_001424162.1 and 2 more transcripts); c.*222_*224TGC[421] (NM_001081563.3); c.*369CTG[421] (NM_001288766.2, NM_001424164.1, NM_001424168.1).
Identifiers: ClinVar variation 187979 (VCV000187979.1), ClinGen allele CA915951795.

ClinVar aggregate classification (germline): Pathogenic (0 of 4 stars; one submission).

Conditions:
Steinert myotonic dystrophy syndrome (DM1). Also called: STEINERT DISEASE; Myotonic dystrophy type 1; Dystrophia myotonica type 1; Steinert myotonic dystrophy; Steinert's disease. Identifiers: Orphanet 273, MedGen C3250443, MONDO:0008056, OMIM 160900.

Submission:

Institute of Molecular, Cell and Systems Biology, University of Glasgow
Classification: Pathogenic for Steinert myotonic dystrophy syndrome. Review status: no assertion criteria provided. Criteria: research. Collection method: research. Allele origin: germline. Inheritance: Autosomal dominant inheritance. Affected: yes. Observed: 1 heterozygote.
Comment: DMPK CTG repeat expansions greater than approximately 45-50 repeats are assumed to be pathogenic

This record is based on data published in PubMed 25052313, which reports only ClinVar accessions SCV000120188 and SCV000120189. The complete data set includes SCV000207445 - SCV000207579.

Literature cited by the submitters: PubMed 1346923; PubMed 1546326; PubMed 25052313.